The following is an entry in ClinVar:

ClinVar aggregate classification (germline): Uncertain significance (1 of 4 stars; one submission).

Conditions:
Emery-Dreifuss muscular dystrophy 4, autosomal dominant (EDMD4). Also called: EMERY-DREIFUSS MUSCULAR DYSTROPHY 4 WITH VARIABLE FEATURES. Identifiers: Orphanet 261, MedGen C2751807, MONDO:0013071, OMIM 612998.
Autosomal recessive ataxia, Beauce type. Also called: SYNE1 Deficiency; Spinocerebellar ataxia, autosomal recessive 8; ATAXIA, RECESSIVE, OF BEAUCE; SYNE1-Related Autosomal Recessive Cerebellar Ataxia. Identifiers: Orphanet 88644, MedGen C1853116, MONDO:0012549, OMIM 610743.

Submission:

Labcorp Genetics (formerly Invitae), Labcorp
Classification: Uncertain significance for Emery-Dreifuss muscular dystrophy 4, autosomal dominant; Autosomal recessive ataxia, Beauce type. Last evaluated: 2023-08-30. Review status: criteria provided, single submitter. Criteria: Invitae Variant Classification Sherloc (09022015). Collection method: clinical testing. Allele origin: germline.
Comment: An algorithm developed to predict the effect of missense changes on protein structure and function (PolyPhen-2) suggests that this variant is likely to be tolerated. ClinVar contains an entry for this variant (Variation ID: 2104301). This variant has not been reported in the literature in individuals affected with SYNE1-related conditions. This variant is not present in population databases (gnomAD no frequency). This sequence change replaces glutamine, which is neutral and polar, with histidine, which is basic and polar, at codon 8083 of the SYNE1 protein (p.Gln8083His). In summary, the available evidence is currently insufficient to determine the role of this variant in disease. Therefore, it has been classified as a Variant of Uncertain Significance.

NM_182961.4(SYNE1):c.24462G>C (p.Gln8154His)

Gene: SYNE1 (spectrin repeat containing nuclear envelope protein 1; minus strand). Cytogenetic location: 6q25.2.
Variant type: single nucleotide variant.
Coding change: c.24462G>C on transcript NM_182961.4 (MANE Select); coding-DNA position 24462, G replaced by C.
Protein change: p.Gln8154His; replaces glutamine 8154 with histidine.
Molecular consequence: missense variant.
Genome position (GRCh38, 1-based): chr6:152,149,657, C>G on the plus strand (G>C on the coding strand, the complement: SYNE1 is on the minus strand). VCF-style: chr6-152149657-C-G. GRCh37 (hg19) VCF-style: chr6-152470792-C-G.
Other names: c.1068G>C, p.Gln356His (NM_001347701.2); c.927G>C, p.Gln309His (NM_001347702.2); c.24249G>C, p.Gln8083His (NM_033071.5); short protein forms Q356H, Q8083H, Q309H, Q8154H.
Identifiers: ClinVar variation 2104301 (VCV002104301.4), dbSNP rs1646643756, ClinGen allele CA366086458.